The following is an entry in ClinVar:

NM_000085.5(CLCNKB):c.1270G>A (p.Gly424Arg)

Genes: CLCNKB (chloride voltage-gated channel Kb; plus strand), LOC106501713 (CLCNKB recombination region; plus strand). Cytogenetic location: 1p36.13.
Variant type: single nucleotide variant.
Coding change: c.1270G>A on transcript NM_000085.5 (MANE Select); coding-DNA position 1270, G replaced by A.
Protein change: p.Gly424Arg; replaces glycine 424 with arginine.
Molecular consequence: missense variant.
Genome position (GRCh38, 1-based): chr1:16,051,520, G>A. VCF-style: chr1-16051520-G-A. GRCh37 (hg19) VCF-style: chr1-16378015-G-A.
Other names: c.763G>A, p.Gly255Arg (NM_001165945.2); short protein forms G255R, G424R.
Identifiers: ClinVar variation 974420 (VCV000974420.16), dbSNP rs769163950, ClinGen allele CA623774.

ClinVar aggregate classification (germline): Likely pathogenic. Review status: criteria provided, multiple submitters, no conflicts (2 of 4 stars). 4 submissions from 4 submitters: Likely pathogenic (4). Last evaluated 2025-10-14.

Conditions:
Bartter disease type 4B. Also called: BARTTER SYNDROME, TYPE 4B, NEONATAL, WITH SENSORINEURAL DEAFNESS; Bartter syndrome, type 4b, digenic; BARTTER SYNDROME, TYPE 4B. Identifiers: Orphanet 112, MedGen C4310805, MONDO:0000909, OMIM 613090.
Bartter disease type 3. Also called: Bartter syndrome type 3. Identifiers: Orphanet 112, Orphanet 93605, MedGen C1846343, MONDO:0011822, OMIM 607364.

Allele frequency attached by ClinVar (database versions not stated): gnomAD exomes 0.00001 and 0.00004; TOPMed 0.00001; ExAC 0.00005.
gnomAD v4.1: 17 of 1,614,072 alleles (0.0011%); highest among the groups gnomAD compares: South Asian, 0.013%; no homozygotes.

Submissions (4):

Labcorp Genetics (formerly Invitae), Labcorp
Classification: Likely pathogenic. Last evaluated: 2025-10-14. Review status: criteria provided, single submitter. Criteria: Invitae Variant Classification Sherloc (09022015). Collection method: clinical testing. Allele origin: germline.
Comment: This sequence change replaces glycine, which is neutral and non-polar, with arginine, which is basic and polar, at codon 424 of the CLCNKB protein (p.Gly424Arg). This variant is present in population databases (rs769163950, gnomAD 0.02%). This missense change has been observed in individuals with Gitelman syndrome and/or Bartter syndrome (PMID: 21415153, 21865213, 33532864). ClinVar contains an entry for this variant (Variation ID: 974420). Invitae Evidence Modeling of protein sequence and biophysical properties (such as structural, functional, and spatial information, amino acid conservation, physicochemical variation, residue mobility, and thermodynamic stability) indicates that this missense variant is expected to disrupt CLCNKB protein function with a positive predictive value of 80%. Experimental studies have shown that this missense change affects CLCNKB function (PMID: 28555925, 31803959). Algorithms developed to predict the effect of sequence changes on RNA splicing suggest that this variant may create or strengthen a splice site. This variant disrupts the p.Gly424 amino acid residue in CLCNKB. Other variant(s) that disrupt this residue have been observed in individuals with CLCNKB-related conditions (PMID: 21415153), which suggests that this may be a clinically significant amino acid residue. In summary, the currently available evidence indicates that the variant is pathogenic, but additional data are needed to prove that conclusively. Therefore, this variant has been classified as Likely Pathogenic.

CeGaT Center for Human Genetics Tuebingen
Classification: Likely pathogenic. Last evaluated: 2024-12-01. Review status: criteria provided, single submitter. Criteria: CeGaT Center For Human Genetics Tuebingen Variant Classification Criteria Version 2. Collection method: clinical testing. Allele origin: germline. Affected: yes. Observed: 1 variant allele.
Comment: CLCNKB: PM2, PM3, PS3:Moderate, PP3, PP4

Fulgent Genetics
Classification: Likely pathogenic for Bartter disease type 3; Bartter disease type 4B. Last evaluated: 2024-03-27. Review status: criteria provided, single submitter. Criteria: ACMG Guidelines, 2015. Collection method: clinical testing. Allele origin: germline.

Molecular Biology Laboratory, Fundació Puigvert
Classification: Likely pathogenic for Bartter disease type 3. Last evaluated: 2020-02-01. Review status: criteria provided, single submitter. Criteria: ACMG Guidelines, 2015. Collection method: research. Allele origin: inherited. Affected: yes. Study: KidneyPanel_2020.

Literature cited by the submitters: PubMed 21415153 (cited by Labcorp Genetics (formerly Invitae), Labcorp); PubMed 21865213 (cited by Labcorp Genetics (formerly Invitae), Labcorp); PubMed 33532864 (cited by Labcorp Genetics (formerly Invitae), Labcorp and Molecular Biology Laboratory, Fundació Puigvert); PubMed 28555925 (cited by Labcorp Genetics (formerly Invitae), Labcorp); PubMed 31803959 (cited by Labcorp Genetics (formerly Invitae), Labcorp).